The following is an entry in ClinVar:

NM_007194.4(CHEK2):c.319+3854G>C

Gene: CHEK2 (checkpoint kinase 2; minus strand). Cytogenetic location: 22q12.1.
Variant type: single nucleotide variant.
Coding change: c.319+3854G>C on transcript NM_007194.4 (MANE Select); 3854 bases into the intron after coding-DNA position 319, G replaced by C.
Molecular consequence: intron variant. On other transcripts: splice acceptor variant (4).
Genome position (GRCh38, 1-based): chr22:28,730,549, C>G on the plus strand (G>C on the coding strand, the complement: CHEK2 is on the minus strand). VCF-style: chr22-28730549-C-G. GRCh37 (hg19) VCF-style: chr22-29126537-C-G.
Other names: c.-344-5182G>C (NM_001437942.1); c.319+3854G>C (NM_001349956.3, NM_145862.3); c.-459+3854G>C (NM_001257387.3); c.320-1G>C (NM_001438295.1, NM_001438293.1, NM_001438294.1 and 1 more transcripts).
Identifiers: ClinVar variation 3061106 (VCV003061106.2), dbSNP rs748513087, ClinGen allele CA411088689.

ClinVar aggregate classification (germline): Uncertain significance (0 of 4 stars; one submission).

Conditions:
CHEK2-related disorder.

Allele frequency attached by ClinVar (database versions not stated): gnomAD 0.00001; TOPMed 0.00002.
gnomAD v4.1: 3 of 694,318 alleles (0.00043%); highest among the groups gnomAD compares: African/African-American, 0.0053%; no homozygotes.

Submission:

PreventionGenetics, part of Exact Sciences
Classification: Uncertain significance for CHEK2-related condition. Last evaluated: 2024-02-22. Review status: no assertion criteria provided. Collection method: clinical testing. Allele origin: germline.
Comment: The CHEK2 c.320-1G>C variant is predicted to disrupt the AG splice acceptor site and interfere with normal splicing. This variant disrupts the consensus splice acceptor site in transcript NM_001005735 of CHEK2. However this variant is not in the coding regions of other transcripts, including the primary transcript of CHEK2 (NM_007194:c.319+3854G>C). To our knowledge, this variant has not been reported in the literature. This variant is reported in 0.023% of alleles in individuals of African descent in gnomAD. This variant is not present in ClniVar. At this time, the clinical significance of this variant is uncertain due to the absence of conclusive functional and genetic evidence.